The following is an entry in ClinVar:

NM_001831.4(CLU):c.*9T>C

Gene: CLU (clusterin; minus strand). Cytogenetic location: 8p21.1.
Variant type: single nucleotide variant.
Coding change: c.*9T>C on transcript NM_001831.4 (MANE Select); 9 bases downstream of the stop codon, T replaced by C.
Molecular consequence: 3 prime UTR variant. On other transcripts: non-coding transcript variant (2).
Genome position (GRCh38, 1-based): chr8:27,598,232, A>G on the plus strand (T>C on the coding strand, the complement: CLU is on the minus strand). VCF-style: chr8-27598232-A-G. GRCh37 (hg19) VCF-style: chr8-27455749-A-G.
Other names: c.*9T>C (NM_001171138.1, NM_203339.3).
Identifiers: ClinVar variation 3048697 (VCV003048697.2), dbSNP rs200244739, ClinGen allele CA4690695.

ClinVar aggregate classification (germline): Likely benign (0 of 4 stars; one submission).

Conditions:
CLU-related disorder. Also called: CLU-related condition.

Allele frequency attached by ClinVar (database versions not stated): ExAC 0.00003; gnomAD 0.00005; TOPMed 0.00006; ESP Exome Variant Server 0.00008; gnomAD exomes 0.00014; 1000 Genomes Project 30x 0.00016; 1000 Genomes Project 0.00020.
gnomAD v4.1: 203 of 1,613,972 alleles (0.013%); highest among the groups gnomAD compares: Non-Finnish European, 0.017%; no homozygotes.

Submission:

PreventionGenetics, part of Exact Sciences
Classification: Likely benign for CLU-related condition. Last evaluated: 2020-10-23. Review status: no assertion criteria provided. Collection method: clinical testing. Allele origin: germline.
Comment: This variant is classified as likely benign based on ACMG/AMP sequence variant interpretation guidelines (Richards et al. 2015 PMID: 25741868, with internal and published modifications).